The following is an entry in ClinVar:

NM_002067.5(GNA11):c.141G>A (p.Thr47=)

Gene: GNA11 (G protein subunit alpha 11; plus strand). Cytogenetic location: 19p13.3.
Variant type: single nucleotide variant.
Coding change: c.141G>A on transcript NM_002067.5 (MANE Select); coding-DNA position 141, G replaced by A.
Protein change: p.Thr47=; no amino-acid change (threonine 47 retained).
Molecular consequence: synonymous variant.
Genome position (GRCh38, 1-based): chr19:3,110,153, G>A. VCF-style: chr19-3110153-G-A. GRCh37 (hg19) VCF-style: chr19-3110151-G-A.
Other names: p.Thr47=.
Identifiers: ClinVar variation 781376 (VCV000781376.21), dbSNP rs61731117, ClinGen allele CA9074749.

ClinVar aggregate classification (germline): Benign/Likely benign. Review status: criteria provided, multiple submitters, no conflicts (2 of 4 stars). 7 submissions from 7 submitters: Benign (3); Likely benign (4). Last evaluated 2026-08-01.

Allele frequency attached by ClinVar (database versions not stated): gnomAD exomes 0.00189; ExAC 0.00471; 1000 Genomes Project 0.00719; 1000 Genomes Project 30x 0.00734; gnomAD 0.00761 and 0.00832; TOPMed 0.00921; ESP Exome Variant Server 0.01000.
gnomAD v4.1: 2,440 of 1,605,252 alleles (0.15%); highest among the groups gnomAD compares: African/African-American, 2.9%; 31 homozygotes.

Submissions (8):

CeGaT Center for Human Genetics Tuebingen
Classification: Benign. Last evaluated: 2026-08-01. Review status: criteria provided, single submitter. Criteria: CeGaT Center For Human Genetics Tuebingen Variant Classification Criteria Version 2. Collection method: clinical testing. Allele origin: germline. Affected: yes. Observed: 1 variant allele.
Comment: GNA11: BS1, BS2

Labcorp Genetics (formerly Invitae), Labcorp
Classification: Benign. Last evaluated: 2026-02-03. Review status: criteria provided, single submitter. Criteria: Invitae Variant Classification Sherloc (09022015). Collection method: clinical testing. Allele origin: germline.

Mayo Clinic Laboratories, Mayo Clinic
Classification: Benign. Last evaluated: 2025-03-03. Review status: criteria provided, single submitter. Criteria: ACMG Guidelines, 2015. Collection method: clinical testing. Allele origin: germline. Observed: 2 variant alleles.
Comment: BS1, BS2, BP4, BP7

Blueprint Genetics
Classification: Likely benign. Last evaluated: 2024-11-01. Review status: criteria provided, single submitter. Criteria: ACMG Guidelines, 2015. Collection method: clinical testing. Allele origin: germline.

Genetic Services Laboratory, University of Chicago
Classification: Likely benign. Last evaluated: 2022-01-12. Review status: criteria provided, single submitter. Criteria: ACMG Guidelines, 2015. Collection method: clinical testing. Allele origin: germline. Affected: no.

GeneDx
Classification: Likely benign. Last evaluated: 2020-11-02. Review status: criteria provided, single submitter. Criteria: GeneDx Variant Classification Process June 2021. Collection method: clinical testing. Allele origin: germline. Affected: yes.

Breakthrough Genomics
Classification: Likely benign. Review status: criteria provided, single submitter. Criteria: ACMG Guidelines, 2015. Collection method: not provided. Allele origin: germline. Inheritance: Autosomal dominant inheritance. Affected: yes.

Dr. Peter K. Rogan Lab, Western University
No classification provided (evidence only). Condition: Thymoma. Review status: no classification provided. Collection method: in vitro. Allele origin: not applicable. Functional consequence: skipped exon. Not counted in ClinVar's aggregate classification.